The following is an entry in ClinVar:

ClinVar aggregate classification (germline): Uncertain significance (0 of 4 stars; one submission).

Conditions:
ADCY3-related disorder. Also called: ADCY3-related condition.

Submission:

PreventionGenetics, part of Exact Sciences
Classification: Uncertain significance for ADCY3-related condition. Last evaluated: 2024-03-07. Review status: no assertion criteria provided. Collection method: clinical testing. Allele origin: germline.
Comment: The ADCY3 c.1177G>C variant is predicted to result in the amino acid substitution p.Ala393Pro. To our knowledge, this variant has not been reported in the literature or in a large population database, indicating this variant is rare. At this time, the clinical significance of this variant is uncertain due to the absence of conclusive functional and genetic evidence.

NM_004036.5(ADCY3):c.1177G>C (p.Ala393Pro)

Gene: ADCY3 (adenylate cyclase 3; minus strand). Cytogenetic location: 2p23.3.
Variant type: single nucleotide variant.
Coding change: c.1177G>C on transcript NM_004036.5 (MANE Select); coding-DNA position 1177, G replaced by C.
Protein change: p.Ala393Pro; replaces alanine 393 with proline.
Molecular consequence: missense variant.
Genome position (GRCh38, 1-based): chr2:24,841,278, C>G on the plus strand (G>C on the coding strand, the complement: ADCY3 is on the minus strand). VCF-style: chr2-24841278-C-G. GRCh37 (hg19) VCF-style: chr2-25064147-C-G.
Other names: c.1177G>C, p.Ala393Pro (NM_001320613.2, NM_001377128.1, NM_001377129.1 and 2 more transcripts); c.454G>C, p.Ala152Pro (NM_001377131.1); short protein forms A152P, A393P.
Identifiers: ClinVar variation 3349777 (VCV003349777.1).